The following is an entry in ClinVar:

ClinVar aggregate classification (germline): Pathogenic (1 of 4 stars; one submission).

Conditions:
Retinoblastoma (RB1). Also called: RETINOBLASTOMA, SOMATIC. Identifiers: Orphanet 790, MedGen C0035335, MeSH D012175, MONDO:0008380, OMIM 180200, HP:0009919. Disease mechanism: loss of function. Inheritance: Both sporadic and heritable forms are tested..

Submission:

Labcorp Genetics (formerly Invitae), Labcorp
Classification: Pathogenic for Retinoblastoma. Last evaluated: 2023-01-31. Review status: criteria provided, single submitter. Criteria: Invitae Variant Classification Sherloc (09022015). Collection method: clinical testing. Allele origin: germline.
Comment: This premature translational stop signal has been observed in individual(s) with retinoblastoma (PMID: 22963398). This variant is not present in population databases (gnomAD no frequency). This sequence change creates a premature translational stop signal (p.Leu335Phefs*14) in the RB1 gene. It is expected to result in an absent or disrupted protein product. Loss-of-function variants in RB1 are known to be pathogenic (PMID: 17096365). For these reasons, this variant has been classified as Pathogenic.

Literature cited by the submitters: PubMed 22963398; PubMed 17096365.

NM_000321.3(RB1):c.1005del (p.Leu335fs)

Gene: RB1 (RB transcriptional corepressor 1; plus strand). Cytogenetic location: 13q14.2.
Variant type: Deletion.
Coding change: c.1005del on transcript NM_000321.3 (MANE Select); coding-DNA position 1005, one base deleted (A; older notation c.1005delA).
Protein change: p.Leu335fs; shifts the reading frame from leucine 335.
Molecular consequence: frameshift variant.
Genome position (GRCh38, 1-based): chr13:48,367,559, A deleted. VCF-style (leftmost placement, unchanged base first): chr13-48367558-TA-T. GRCh37 (hg19) VCF-style: chr13-48941694-TA-T.
Other names: c.1005del, p.Leu335fs (NM_001407165.1, NM_001407166.1); short protein forms L335fs.
Identifiers: ClinVar variation 2736023 (VCV002736023.3), dbSNP rs2542188575, ClinGen allele CA2695218313.